The following is an entry in ClinVar:

NM_198123.2(CSMD3):c.1494C>T (p.Ile498=)

Gene: CSMD3 (CUB and Sushi multiple domains 3; minus strand). Cytogenetic location: 8q23.3.
Variant type: single nucleotide variant.
Coding change: c.1494C>T on transcript NM_198123.2 (MANE Select); coding-DNA position 1494, C replaced by T.
Protein change: p.Ile498=; no amino-acid change (isoleucine 498 retained).
Molecular consequence: synonymous variant.
Genome position (GRCh38, 1-based): chr8:112,947,804, G>A on the plus strand (C>T on the coding strand, the complement: CSMD3 is on the minus strand). VCF-style: chr8-112947804-G-A. GRCh37 (hg19) VCF-style: chr8-113960033-G-A.
Other names: c.1104C>T, p.Ile368= (NM_001363185.1); c.1182C>T, p.Ile394= (NM_052900.3); c.1374C>T, p.Ile458= (NM_198124.2).
Identifiers: ClinVar variation 776378 (VCV000776378.7), dbSNP rs61759498, ClinGen allele CA4850966.

ClinVar aggregate classification (germline): Benign. Review status: criteria provided, multiple submitters, no conflicts (2 of 4 stars). 3 submissions from 3 submitters: Benign (2). 1 of the submissions does not count toward it. Last evaluated 2019-12-31.

Conditions:
CSMD3-related disorder. Also called: CSMD3-related condition.

Allele frequency attached by ClinVar (database versions not stated): gnomAD exomes 0.00541; ExAC 0.00680; gnomAD 0.02048 and 0.02197; ESP Exome Variant Server 0.02199; 1000 Genomes Project 0.02256; TOPMed 0.02300; 1000 Genomes Project 30x 0.02530.
gnomAD v4.1: 5,472 of 1,416,578 alleles (0.39%); highest among the groups gnomAD compares: African/African-American, 6.8%; 165 homozygotes.

Submissions (3):

Labcorp Genetics (formerly Invitae), Labcorp
Classification: Benign. Last evaluated: 2019-12-31. Review status: criteria provided, single submitter. Criteria: Invitae Variant Classification Sherloc (09022015). Collection method: clinical testing. Allele origin: germline.

Breakthrough Genomics
Classification: Benign. Review status: criteria provided, single submitter. Criteria: ACMG Guidelines, 2015. Collection method: not provided. Allele origin: germline. Inheritance: Unknown mechanism. Affected: yes.

PreventionGenetics, part of Exact Sciences
Classification: Benign for CSMD3-related condition. Last evaluated: 2019-03-25. Review status: no assertion criteria provided. Collection method: clinical testing. Allele origin: germline. Not counted in ClinVar's aggregate classification.
Comment: This variant is classified as benign based on ACMG/AMP sequence variant interpretation guidelines (Richards et al. 2015 PMID: 25741868, with internal and published modifications).